The following is an entry in ClinVar:

NM_000277.3(PAH):c.2T>C (p.Met1Thr)

Gene: PAH (phenylalanine hydroxylase; minus strand). Cytogenetic location: 12q23.2.
Variant type: single nucleotide variant.
Coding change: c.2T>C on transcript NM_000277.3 (MANE Select); coding-DNA position 2, T replaced by C.
Protein change: p.Met1Thr; changes the start codon (methionine 1).
Molecular consequence: missense variant, initiator codon variant.
Genome position (GRCh38, 1-based): chr12:102,917,129, A>G on the plus strand (T>C on the coding strand, the complement: PAH is on the minus strand). VCF-style: chr12-102917129-A-G. GRCh37 (hg19) VCF-style: chr12-103310907-A-G.
Other names: p.M1T:ATG>ACG; c.2T>C (NM_000277.2); c.2T>C, p.Met1Thr (NM_001354304.2); short protein forms M1T.
Identifiers: ClinVar variation 203873 (VCV000203873.22), dbSNP rs62508575, ClinGen allele CA312807.

ClinVar aggregate classification (germline): Likely pathogenic. Review status: reviewed by expert panel (3 of 4 stars). 7 submissions from 7 submitters: Likely pathogenic (1). 6 of the submissions do not count toward it. Last evaluated 2019-07-07.

Conditions:
Inborn genetic diseases. Identifiers: MedGen C0950123, MeSH D030342.
Phenylketonuria (PKU). Also called: FOLLING DISEASE; OLIGOPHRENIA PHENYLPYRUVICA; Phenylketonurias; Phenylketonuria (PKU). Identifiers: Orphanet 716, MedGen C0031485, MONDO:0009861, OMIM 261600. Disease mechanism: loss of function.

Allele frequency attached by ClinVar (database versions not stated): TOPMed 0.00006; ESP Exome Variant Server 0.00008; gnomAD exomes 0.00001 and below 0.00001; ExAC 0.00001; gnomAD 0.00003.

Submissions (7):

ClinGen PAH Variant Curation Expert Panel
Classification: Likely pathogenic for Phenylketonuria. Last evaluated: 2019-07-07. Review status: reviewed by expert panel. Criteria: ClinGen PAH ACMG Specifications v1. Collection method: curation. Allele origin: germline. Inheritance: Autosomal recessive inheritance.
Comment: c.2T>C (p.Met1Thr) is a null PAH variant (start loss) where LOF is a known mechanism of disease. There are no known alternative start codons in other transcripts. The next in-frame Met is at amino acid 180 in exon 6. There are 49 pathogenic variants in ClinVar upstream of aa 180. The p.Met1Val variant has <3% enzyme activity as compared to wild type (PMID: 9450897), confirming start loss variants lead to loss of function of the PAH enzyme without re-initiation. This variant has an extremely low frequency in ExAC, ESP, gnomAD. However, it has not been reported in the literature to our knowledge. In summary, this variant meets criteria to be classified as likely pathogenic for PAH. PAH-specific ACMG/AMP criteria applied: PVS1, PM2.

Labcorp Genetics (formerly Invitae), Labcorp
Classification: Pathogenic for Phenylketonuria. Last evaluated: 2025-11-05. Review status: criteria provided, single submitter. Criteria: Invitae Variant Classification Sherloc (09022015). Collection method: clinical testing. Allele origin: germline. Not counted in ClinVar's aggregate classification.
Comment: This sequence change affects the initiator codon of the PAH mRNA. This change may impact translation initiation or efficiency. The next in-frame methionine is located at codon 180. This variant is present in population databases (rs62508575, gnomAD 0.01%). Disruption of the initiator codon has been observed in individuals with hyperphenylalaninemia (PMID: 2574002, 10679941, 24941924, 26666653; internal data). ClinVar contains an entry for this variant (Variation ID: 203873). For these reasons, this variant has been classified as Pathogenic.

Ambry Genetics
Classification: Pathogenic for Inborn genetic diseases. Last evaluated: 2025-03-12. Review status: criteria provided, single submitter. Criteria: Ambry Variant Classification Scheme 2023. Collection method: clinical testing. Allele origin: germline. Not counted in ClinVar's aggregate classification.
Comment: The c.2T>C (p.M1?) alteration is located in coding exon 1 of the PAH gene and results from a T to C substitution at nucleotide position 2. This alters the methionine residue at the initiation codon (ATG). Sequence variations that modify the initiation codon are expected to result in either loss of translation initiation, N-terminal truncation, or cause a shift in the mRNA reading frame. Based on data from gnomAD, the C allele has an overall frequency of 0.001% (3/282858) total alleles studied. The highest observed frequency was 0.012% (3/24968) of African alleles. This variant has been identified in the homozygous state and/or in conjunction with other PAH variant(s) in individual(s) with features consistent with phenylalanine hydroxylase deficiency (Shirzadeh, 2018; Tebieva, 2024). This amino acid position is highly conserved in available vertebrate species. Functional studies suggest a loss of function; however, additional evidence is needed to confirm this finding (Tebieva, 2024). Based on the available evidence, this alteration is classified as pathogenic.

Natera, Inc.
Classification: Pathogenic for Phenylketonuria. Last evaluated: 2025-03-10. Review status: criteria provided, single submitter. Criteria: Natera Variant Classification Schema (03/2026). Collection method: clinical testing. Allele origin: germline. Not counted in ClinVar's aggregate classification.
Comment: The c.2T>C variant in PAH is predicted to result in start loss due to disruption of the initiator methionine. This variant is expected to result in nonsense mediated decay, truncation, or a dysfunctional protein product. This variant is rare in the general population with a frequency below the threshold expected for the associated phenotype(s). This variant has been observed in one or more individuals affected with the associated recessive disease, as either homozygous or compound heterozygous with a second variant (PMID: 30159852). Given the available evidence, this variant is classified as Pathogenic.

GeneDx
Classification: Pathogenic. Last evaluated: 2022-03-06. Review status: criteria provided, single submitter. Criteria: GeneDx Variant Classification Process June 2021. Collection method: clinical testing. Allele origin: germline. Affected: yes. Not counted in ClinVar's aggregate classification.
Comment: Initiation codon variant in a gene for which loss-of-function is a known mechanism of disease; Previously reported in multiple unrelated families with phenylketonuria (Shirzadeh et al., 2018); Not observed at a significant frequency in large population cohorts (gnomAD); This variant is associated with the following publications: (PMID: 32668217, 30159852)

Fulgent Genetics
Classification: Pathogenic for Phenylketonuria. Last evaluated: 2021-12-11. Review status: criteria provided, single submitter. Criteria: ACMG Guidelines, 2015. Collection method: clinical testing. Allele origin: unknown. Not counted in ClinVar's aggregate classification.

Counsyl
Classification: Likely pathogenic for Phenylketonuria. Last evaluated: 2014-07-02. Review status: no assertion criteria provided. Collection method: clinical testing. Allele origin: unknown. Not counted in ClinVar's aggregate classification.

Literature cited by the submitters: PubMed 2574002 (cited by Labcorp Genetics (formerly Invitae), Labcorp); PubMed 10679941 (cited by Labcorp Genetics (formerly Invitae), Labcorp); PubMed 24941924 (cited by Labcorp Genetics (formerly Invitae), Labcorp); PubMed 26666653 (cited by Labcorp Genetics (formerly Invitae), Labcorp); PubMed 30159852 (cited by Ambry Genetics and Natera, Inc.); PubMed 38731816 (cited by Ambry Genetics).